The following is an entry in ClinVar:

NM_001282426.2(PIK3CG):c.808T>A (p.Phe270Ile)

Gene: PIK3CG (phosphatidylinositol-4,5-bisphosphate 3-kinase catalytic subunit gamma; plus strand). Cytogenetic location: 7q22.3.
Variant type: single nucleotide variant.
Coding change: c.808T>A on transcript NM_001282426.2 (MANE Select); coding-DNA position 808, T replaced by A.
Protein change: p.Phe270Ile; replaces phenylalanine 270 with isoleucine.
Molecular consequence: missense variant.
Genome position (GRCh38, 1-based): chr7:106,868,369, T>A. VCF-style: chr7-106868369-T-A. GRCh37 (hg19) VCF-style: chr7-106508814-T-A.
Other names: c.808T>A, p.Phe270Ile (NM_002649.3, NM_001282427.2); short protein forms F270I.
Identifiers: ClinVar variation 5007129 (VCV005007129.2).

ClinVar aggregate classification (germline): Uncertain significance (1 of 4 stars; one submission).

Conditions:
Immunodeficiency 97 with autoinflammation (IMD97). Identifiers: MedGen C5676946, MONDO:0030717, OMIM 619802.

Submission:

Juno Genomics, Hangzhou Juno Genomics, Inc
Classification: Uncertain significance for Immunodeficiency 97 with autoinflammation. Review status: criteria provided, single submitter. Criteria: ACMG Guidelines, 2015. Collection method: clinical testing. Allele origin: germline.
Comment: Absent from controls (or at extremely low frequency if recessive) in Genome Aggregation Database.;Multiple lines of computational evidence support a deleterious effect on the gene or gene product.